The following is an entry in ClinVar:

NM_139137.4(KCNC2):c.559G>A (p.Ala187Thr)

Gene: KCNC2 (potassium voltage-gated channel subfamily C member 2; minus strand). Cytogenetic location: 12q21.1.
Variant type: single nucleotide variant.
Coding change: c.559G>A on transcript NM_139137.4 (MANE Select); coding-DNA position 559, G replaced by A.
Protein change: p.Ala187Thr; replaces alanine 187 with threonine.
Molecular consequence: missense variant. On other transcripts: non-coding transcript variant (2).
Genome position (GRCh38, 1-based): chr12:75,207,425, C>T on the plus strand (G>A on the coding strand, the complement: KCNC2 is on the minus strand). VCF-style: chr12-75207425-C-T. GRCh37 (hg19) VCF-style: chr12-75601205-C-T.
Other names: c.559G>A, p.Ala187Thr (NM_001260497.2, NM_001260498.2, NM_001260499.2 and 13 more transcripts); short protein forms A187T.
Identifiers: ClinVar variation 3532163 (VCV003532163.2).

ClinVar aggregate classification (germline): Uncertain significance. Review status: criteria provided, multiple submitters, no conflicts (2 of 4 stars). 2 submissions from 2 submitters: Uncertain significance (2). Last evaluated 2026-01-21.

Conditions:
Inborn genetic diseases. Identifiers: MedGen C0950123, MeSH D030342.

Submissions (2):

Women's Health and Genetics/Laboratory Corporation of America, LabCorp
Classification: Uncertain significance. Last evaluated: 2026-01-21. Review status: criteria provided, single submitter. Criteria: LabCorp Variant Classification Summary - May 2015. Collection method: clinical testing. Allele origin: germline.
Comment: Variant summary: KCNC2 c.559G>A (p.Ala187Thr) results in a non-conservative amino acid change in the encoded protein sequence. Algorithms developed to predict the effect of missense changes on protein structure and function all suggest that this variant is likely to be disruptive. The variant was absent in 231798 control chromosomes. The available data on variant occurrences in the general population are insufficient to allow any conclusion about variant significance. To our knowledge, no occurrence of c.559G>A in individuals affected with KCNC2-related conditions and no experimental evidence demonstrating its impact on protein function have been reported. ClinVar contains an entry for this variant (Variation ID: 3532163). Based on the evidence outlined above, the variant was classified as uncertain significance.

Ambry Genetics
Classification: Uncertain significance for Inborn genetic diseases. Last evaluated: 2024-10-08. Review status: criteria provided, single submitter. Criteria: Ambry Variant Classification Scheme 2023. Collection method: clinical testing. Allele origin: germline.